The following is an entry in ClinVar:

NM_152564.5(VPS13B):c.18A>C (p.Val6=)

Gene: VPS13B (vacuolar protein sorting 13 homolog B; plus strand). Cytogenetic location: 8q22.2.
Variant type: single nucleotide variant.
Coding change: c.18A>C on transcript NM_152564.5 (MANE Select); coding-DNA position 18, A replaced by C.
Protein change: p.Val6=; no amino-acid change (valine 6 retained).
Molecular consequence: synonymous variant. On other transcripts: non-coding transcript variant (1).
Genome position (GRCh38, 1-based): chr8:99,013,806, A>C. VCF-style: chr8-99013806-A-C. GRCh37 (hg19) VCF-style: chr8-100026034-A-C.
Other names: c.18A>C, p.Val6= (NM_015243.3, NM_017890.5, NM_181661.3); c.18A>C (NM_152564.4).
Identifiers: ClinVar variation 1104508 (VCV001104508.10), dbSNP rs1490457051, ClinGen allele CA462417947.

ClinVar aggregate classification (germline): Likely benign. Review status: criteria provided, multiple submitters, no conflicts (2 of 4 stars). 2 submissions from 2 submitters: Likely benign (2). Last evaluated 2025-06-16.

Conditions:
Cohen syndrome (COH1). Also called: Cutis verticis gyrata, retinitis pigmentosa, and sensorineural deafness; PEPPER SYNDROME. Identifiers: Orphanet 193, MedGen C0265223, MONDO:0008999, OMIM 216550.
VPS13B-related disorder. Also called: VPS13B-related condition.

Allele frequency attached by ClinVar (database versions not stated): TOPMed 0.00001.
gnomAD v4.1: 2 of 1,614,108 alleles (0.00012%); highest among the groups gnomAD compares: African/African-American, 0.0027%; no homozygotes.

Submissions (2):

PreventionGenetics, part of Exact Sciences
Classification: Likely benign for VPS13B-related condition. Last evaluated: 2025-06-16. Review status: criteria provided, single submitter. Criteria: ACMG Guidelines, 2015. Collection method: clinical testing. Allele origin: germline.
Comment: This variant is classified as likely benign based on ACMG/AMP sequence variant interpretation guidelines (Richards et al. 2015 PMID: 25741868, with internal and published modifications).

Labcorp Genetics (formerly Invitae), Labcorp
Classification: Likely benign for Cohen syndrome. Last evaluated: 2024-10-03. Review status: criteria provided, single submitter. Criteria: Invitae Variant Classification Sherloc (09022015). Collection method: clinical testing. Allele origin: germline.